The following is an entry in ClinVar:

ClinVar aggregate classification (germline): Conflicting classifications of pathogenicity. Review status: criteria provided, conflicting classifications (1 of 4 stars). 3 submissions from 3 submitters: Uncertain significance (1); Likely benign (2). Last evaluated 2024-08-07.

Conditions:
Inborn genetic diseases. Identifiers: MedGen C0950123, MeSH D030342.
KBG syndrome (KBGS). Also called: ANKRD11-Related KBG Syndrome. Identifiers: Orphanet 2332, MedGen C0220687, MONDO:0007846, OMIM 148050.

Allele frequency attached by ClinVar (database versions not stated): TOPMed below 0.00001; gnomAD exomes 0.00001.
gnomAD v4.1: 8 of 1,612,622 alleles (0.0005%); highest among the groups gnomAD compares: East Asian, 0.011%; no homozygotes.

Submissions (3):

Women's Health and Genetics/Laboratory Corporation of America, LabCorp
Classification: Uncertain significance. Last evaluated: 2024-08-07. Review status: criteria provided, single submitter. Criteria: LabCorp Variant Classification Summary - May 2015. Collection method: clinical testing. Allele origin: germline.
Comment: Variant summary: ANKRD11 c.6529G>A (p.Gly2177Arg) results in a non-conservative amino acid change in the encoded protein sequence. Four of five in-silico tools predict a benign effect of the variant on protein function. The variant allele was found at a frequency of 3.3e-05 in 240652 control chromosomes. The available data on variant occurrences in the general population are insufficient to allow any conclusion about variant significance. To our knowledge, no occurrence of c.6529G>A in individuals affected with KBG Syndrome and no experimental evidence demonstrating its impact on protein function have been reported. ClinVar contains an entry for this variant (Variation ID: 2725366). Based on the evidence outlined above, the variant was classified as uncertain significance.

Labcorp Genetics (formerly Invitae), Labcorp
Classification: Likely benign for KBG syndrome. Last evaluated: 2024-02-14. Review status: criteria provided, single submitter. Criteria: Invitae Variant Classification Sherloc (09022015). Collection method: clinical testing. Allele origin: germline.

Ambry Genetics
Classification: Likely benign for Inborn genetic diseases. Last evaluated: 2023-11-09. Review status: criteria provided, single submitter. Criteria: Ambry Variant Classification Scheme 2023. Collection method: clinical testing. Allele origin: germline.

NM_013275.6(ANKRD11):c.6529G>A (p.Gly2177Arg)

Gene: ANKRD11 (ankyrin repeat domain 11; minus strand). Cytogenetic location: 16q24.3.
Variant type: single nucleotide variant.
Coding change: c.6529G>A on transcript NM_013275.6 (MANE Select); coding-DNA position 6529, G replaced by A.
Protein change: p.Gly2177Arg; replaces glycine 2177 with arginine.
Molecular consequence: missense variant.
Genome position (GRCh38, 1-based): chr16:89,280,013, C>T on the plus strand (G>A on the coding strand, the complement: ANKRD11 is on the minus strand). VCF-style: chr16-89280013-C-T. GRCh37 (hg19) VCF-style: chr16-89346421-C-T.
Other names: c.6529G>A, p.Gly2177Arg (NM_001256182.2, NM_001256183.2); c.6529G>A (NM_013275.4); short protein forms G2177R.
Identifiers: ClinVar variation 2725366 (VCV002725366.5), dbSNP rs752658811, ClinGen allele CA8241411.